The following is an entry in ClinVar:

ClinVar aggregate classification (germline): Uncertain significance (1 of 4 stars; one submission).

Conditions:
Inborn genetic diseases. Identifiers: MedGen C0950123, MeSH D030342.

Submission:

Ambry Genetics
Classification: Uncertain significance for Inborn genetic diseases. Last evaluated: 2017-09-28. Review status: criteria provided, single submitter. Criteria: Ambry Variant Classification Scheme 2023. Collection method: clinical testing. Allele origin: germline.
Comment: The p.P1126Q variant (also known as c.3377C>A), located in coding exon 32 of the KIF1A gene, results from a C to A substitution at nucleotide position 3377. The proline at codon 1126 is replaced by glutamine, an amino acid with similar properties. This amino acid position is not well conserved in available vertebrate species. In addition, this alteration is predicted to be tolerated by in silico analysis. Since supporting evidence is limited at this time, the clinical significance of this alteration remains unclear.

NM_001244008.2(KIF1A):c.3680C>A (p.Pro1227Gln)

Gene: KIF1A (kinesin family member 1A; minus strand). Cytogenetic location: 2q37.3.
Variant type: single nucleotide variant.
Coding change: c.3680C>A on transcript NM_001244008.2 (MANE Select); coding-DNA position 3680, C replaced by A.
Protein change: p.Pro1227Gln; replaces proline 1227 with glutamine.
Molecular consequence: missense variant.
Genome position (GRCh38, 1-based): chr2:240,741,338, G>T on the plus strand (C>A on the coding strand, the complement: KIF1A is on the minus strand). VCF-style: chr2-240741338-G-T. GRCh37 (hg19) VCF-style: chr2-241680755-G-T.
Other names: c.3653C>A, p.Pro1218Gln (NM_001379645.1, NM_001379633.1, NM_001379642.1); c.3479C>A, p.Pro1160Gln (NM_001379646.1, NM_001330290.2, NM_001379634.1 and 1 more transcripts); c.3452C>A, p.Pro1151Gln (NM_001379648.1, NM_001379637.1); c.3377C>A, p.Pro1126Gln (NM_001379649.1, NM_001379650.1, NM_001379651.1 and 6 more transcripts); c.3404C>A, p.Pro1135Gln (NM_001320705.2, NM_001330289.2, NM_001379638.1); c.3755C>A, p.Pro1252Gln (NM_001379631.1); c.3629C>A, p.Pro1210Gln (NM_001379632.1); c.3374C>A, p.Pro1125Gln (NM_001379640.1); short protein forms P1126Q, P1210Q, P1218Q, P1227Q, P1125Q, P1160Q, P1252Q, P1135Q.
Identifiers: ClinVar variation 1730774 (VCV001730774.2), dbSNP rs374244985, ClinGen allele CA351315501.